The following is an entry in ClinVar:

ClinVar aggregate classification (germline): Uncertain significance (1 of 4 stars; one submission).

Conditions:
Hearing loss, autosomal dominant 80. Also called: DEAFNESS, AUTOSOMAL DOMINANT 80. Identifiers: MedGen C5543289, MONDO:0030998, OMIM 619274.

gnomAD v4.1: 30 of 1,551,496 alleles (0.0019%); highest among the groups gnomAD compares: Middle Eastern, 0.033%; no homozygotes.

Submission:

Laboratory of Prof. Karen Avraham, Tel Aviv University
Classification: Uncertain significance for Hearing loss, autosomal dominant 80. Last evaluated: 2024-12-25. Review status: criteria provided, single submitter. Criteria: ACMG Guidelines, 2015. Collection method: research. Allele origin: germline. Affected: yes. Observed: 1 variant allele.
Comment: The GREB1L c.5666G>A:p.(Arg1889His) heterozygous variant is predicted deleterious and not found in gnomAD.

NM_001142966.3(GREB1L):c.5666G>A (p.Arg1889His)

Gene: GREB1L (GREB1 like retinoic acid receptor coactivator; plus strand). Cytogenetic location: 18q11.2.
Variant type: single nucleotide variant.
Coding change: c.5666G>A on transcript NM_001142966.3 (MANE Select); coding-DNA position 5666, G replaced by A.
Protein change: p.Arg1889His; replaces arginine 1889 with histidine.
Molecular consequence: missense variant.
Genome position (GRCh38, 1-based): chr18:21,522,715, G>A. VCF-style: chr18-21522715-G-A. GRCh37 (hg19) VCF-style: chr18-19102676-G-A.
Other names: DFNA80; c.5795G>A, p.Arg1932His (NM_001410867.1); c.5339G>A, p.Arg1780His (NM_001410868.1); short protein forms R1780H, R1889H, R1932H.
Identifiers: ClinVar variation 3393396 (VCV003393396.1).
Genomic context (GRCh38, chr18:21,522,715, plus strand): 5'-AAGGTGCTACACTGTGTGTCATCTGCCAAGACAGAAGTTCCTTGCGCCAAACAATTGTCC[G>A]CTTAGAGCTAGAAGATGAGTGGCAGTTCCGCCTCCGGGACGAGTTTCAAACTGCTAACAG-3'
Protein context (NP_001136438.1, residues 1879-1899): DRSSLRQTIV[Arg1889His]LELEDEWQFR